The following is an entry in ClinVar:

NM_014363.6(SACS):c.13374C>T (p.Phe4458=)

Gene: SACS (sacsin molecular chaperone; minus strand). Cytogenetic location: 13q12.12.
Variant type: single nucleotide variant.
Coding change: c.13374C>T on transcript NM_014363.6 (MANE Select); coding-DNA position 13374, C replaced by T.
Protein change: p.Phe4458=; no amino-acid change (phenylalanine 4458 retained).
Molecular consequence: synonymous variant.
Genome position (GRCh38, 1-based): chr13:23,330,502, G>A on the plus strand (C>T on the coding strand, the complement: SACS is on the minus strand). VCF-style: chr13-23330502-G-A. GRCh37 (hg19) VCF-style: chr13-23904641-G-A.
Other names: c.12933C>T, p.Phe4311= (NM_001278055.2).
Identifiers: ClinVar variation 695534 (VCV000695534.21), dbSNP rs148914536, ClinGen allele CA6909973.

ClinVar aggregate classification (germline): Benign/Likely benign. Review status: criteria provided, multiple submitters, no conflicts (2 of 4 stars). 6 submissions from 6 submitters: Benign (3); Likely benign (3). Last evaluated 2026-03-01.

Conditions:
SACS-related disorder. Also called: SACS-related condition.
Spastic paraplegia. Identifiers: MedGen C0037772, HP:0001258.

Allele frequency attached by ClinVar (database versions not stated): gnomAD 0.00104 and 0.00111; ESP Exome Variant Server 0.00108; TOPMed 0.00131; 1000 Genomes Project 30x 0.00219; 1000 Genomes Project 0.00240.
gnomAD v4.1: 323 of 1,614,180 alleles (0.02%); highest among the groups gnomAD compares: African/African-American, 0.37%; no homozygotes.

Submissions (6):

CeGaT Center for Human Genetics Tuebingen
Classification: Likely benign. Last evaluated: 2026-03-01. Review status: criteria provided, single submitter. Criteria: CeGaT Center For Human Genetics Tuebingen Variant Classification Criteria Version 2. Collection method: clinical testing. Allele origin: germline. Affected: yes. Observed: 1 variant allele.
Comment: SACS: BP4, BP7

PreventionGenetics, part of Exact Sciences
Classification: Likely benign for SACS-related condition. Last evaluated: 2026-02-13. Review status: criteria provided, single submitter. Criteria: ACMG Guidelines, 2015. Collection method: clinical testing. Allele origin: germline.
Comment: This variant is classified as likely benign based on ACMG/AMP sequence variant interpretation guidelines (Richards et al. 2015 PMID: 25741868, with internal and published modifications).

Labcorp Genetics (formerly Invitae), Labcorp
Classification: Benign for Spastic paraplegia. Last evaluated: 2026-01-25. Review status: criteria provided, single submitter. Criteria: Invitae Variant Classification Sherloc (09022015). Collection method: clinical testing. Allele origin: germline.

Women's Health and Genetics/Laboratory Corporation of America, LabCorp
Classification: Likely benign. Last evaluated: 2025-01-14. Review status: criteria provided, single submitter. Criteria: LabCorp Variant Classification Summary - May 2015. Collection method: clinical testing. Allele origin: germline.

Athena Diagnostics
Classification: Benign. Last evaluated: 2024-11-07. Review status: criteria provided, single submitter. Criteria: Athena Diagnostics Criteria. Collection method: clinical testing. Allele origin: unknown.

Breakthrough Genomics
Classification: Benign. Review status: criteria provided, single submitter. Criteria: ACMG Guidelines, 2015. Collection method: not provided. Allele origin: germline. Inheritance: Autosomal recessive inheritance. Affected: yes.